The following is an entry in ClinVar:

ClinVar aggregate classification (germline): Pathogenic (1 of 4 stars; one submission).

Submission:

GeneDx
Classification: Pathogenic. Last evaluated: 2022-08-24. Review status: criteria provided, single submitter. Criteria: GeneDx Variant Classification Process June 2021. Collection method: clinical testing. Allele origin: germline. Affected: yes.
Comment: Has not been previously published as pathogenic or benign to our knowledge; Not observed at significant frequency in large population cohorts (gnomAD); Canonical splice site variant predicted to result in in-frame deletion within a critical region. Variant damages or destroys the canonical splice acceptor site in intron 30, and is expected to cause abnormal gene splicing; if the splice outcome is exon skip, the loss of the encoded residues in the triple helical region is expected to disrupt normal protein folding and function

NM_001845.6(COL4A1):c.2345-2A>G

Gene: COL4A1 (collagen type IV alpha 1 chain; minus strand). Cytogenetic location: 13q34.
Variant type: single nucleotide variant.
Coding change: c.2345-2A>G on transcript NM_001845.6 (MANE Select); the canonical splice acceptor site of the intron before coding-DNA position 2345, A replaced by G.
Molecular consequence: splice acceptor variant.
Genome position (GRCh38, 1-based): chr13:110,179,038, T>C on the plus strand (A>G on the coding strand, the complement: COL4A1 is on the minus strand). VCF-style: chr13-110179038-T-C. GRCh37 (hg19) VCF-style: chr13-110831385-T-C.
Identifiers: ClinVar variation 1703388 (VCV001703388.2), dbSNP rs2501782514, ClinGen allele CA388668514.
Genomic context (GRCh38, chr13:110,179,038, plus strand): 5'-TATTCCTGGAACTCCTGGAGACCCCACGGAGCCTGGCAATCCAGGAGGTCCCGGTTCACC[T>C]GGAGAAGAAAAATTGAGAGTAAGCTGTACAGGAGCAGTGGCACGTCTCCCGGCCTAGGAG-3'